The following is an entry in ClinVar:

ClinVar aggregate classification (germline): Uncertain significance. Review status: criteria provided, multiple submitters, no conflicts (2 of 4 stars). 9 submissions from 9 submitters: Uncertain significance (9). Last evaluated 2026-01-12.

Conditions:
Cardiovascular phenotype. Identifiers: MedGen CN230736.
Arrhythmogenic right ventricular dysplasia 11. Also called: Arrhythmogenic Right Ventricular Dysplasia/Cardiomyopathy11; ARRHYTHMOGENIC RIGHT VENTRICULAR DYSPLASIA, FAMILIAL, 11; Arrhythmogenic right ventricular dysplasia 11 with mild palmoplantar keratoderma and woolly hair. Identifiers: MedGen C1864850, MONDO:0012506, OMIM 610476.
Familial isolated arrhythmogenic right ventricular dysplasia. Identifiers: Orphanet 217656, MedGen C4274968, MONDO:0016342.
Cardiomyopathy (CMYO). Also called: Cardiomyopathies. Identifiers: Orphanet 167848, MedGen C0878544, MONDO:0004994, HP:0001638. Inheritance: Various modes of inheritance.
Arrhythmogenic right ventricular cardiomyopathy (ARVD). Also called: Cardiomyopathy, ARVC; Arrhythmogenic right ventricular dysplasia; Arrhythmogenic Right Ventricular Cardiomyopathy (ARVC); Arrhythmogenic cardiomyopathy. Identifiers: Orphanet 247, MedGen C0349788, MeSH D019571, MONDO:0016587. Disease mechanism: loss of function. Inheritance: Various modes of inheritance.

Allele frequency attached by ClinVar (database versions not stated): gnomAD 0.00002 and 0.00005; TOPMed 0.00004.
gnomAD v4.1: 19 of 1,613,112 alleles (0.0012%); highest among the groups gnomAD compares: Admixed American, 0.005%; no homozygotes.

Submissions (9):

Labcorp Genetics (formerly Invitae), Labcorp
Classification: Uncertain significance for Arrhythmogenic right ventricular dysplasia 11. Last evaluated: 2026-01-12. Review status: criteria provided, single submitter. Criteria: Invitae Variant Classification Sherloc (09022015). Collection method: clinical testing. Allele origin: germline.
Comment: This sequence change replaces arginine, which is basic and polar, with cysteine, which is neutral and slightly polar, at codon 357 of the DSC2 protein (p.Arg357Cys). This variant is present in population databases (no rsID available, gnomAD 0.008%). This variant has not been reported in the literature in individuals affected with DSC2-related conditions. ClinVar contains an entry for this variant (Variation ID: 252639). Invitae Evidence Modeling of protein sequence and biophysical properties (such as structural, functional, and spatial information, amino acid conservation, physicochemical variation, residue mobility, and thermodynamic stability) indicates that this missense variant is not expected to disrupt DSC2 protein function with a negative predictive value of 80%. In summary, the available evidence is currently insufficient to determine the role of this variant in disease. Therefore, it has been classified as a Variant of Uncertain Significance.

Dasa
Classification: Uncertain significance. Last evaluated: 2025-08-18. Review status: criteria provided, single submitter. Criteria: DASA Assertion Criteria. Collection method: clinical testing. Allele origin: germline.
Comment: NM_024422.6(DSC2):c.1069C>T (p.Arg357Cys) is a missense variant that results in the substitution of arginine with cysteine. This variant is rare in population databases. Computational prediction algorithms are consistent with a benign effect. The currently available literature and clinical evidence are not sufficient to establish a definitive association between this variant and the reported condition. Therefore, this variant is classified as a variant of uncertain significance.

All of Us Research Program, National Institutes of Health
Classification: Uncertain significance for Familial isolated arrhythmogenic right ventricular dysplasia. Last evaluated: 2024-09-23. Review status: criteria provided, single submitter. Criteria: ACMG Guidelines, 2015. Collection method: clinical testing. Allele origin: germline. Inheritance: Autosomal dominant inheritance. Observed: 8 variant alleles, 8 heterozygotes.
Comment: This missense variant replaces arginine with cysteine at codon 357 of the DSC2 protein. Computational prediction suggests that this variant may not impact protein structure and function (internally defined REVEL score threshold <= 0.5, PMID: 27666373). To our knowledge, functional studies have not been reported for this variant. This variant has not been reported in individuals affected with cardiovascular disorders in the literature. This variant has been identified in 3/282360 chromosomes in the general population by the Genome Aggregation Database (gnomAD). The available evidence is insufficient to determine the role of this variant in disease conclusively. Therefore, this variant is classified as a Variant of Uncertain Significance.

This study involves interpretation of variants in research participants for the purpose of population health screening. Participant phenotype was not available at the time of variant classification. Additional details can be found in publication PMID: 35346344, PMCID: PMC8962531

Color Diagnostics, LLC DBA Color Health
Classification: Uncertain significance for Cardiomyopathy. Last evaluated: 2023-05-10. Review status: criteria provided, single submitter. Criteria: ACMG Guidelines, 2015. Collection method: clinical testing. Allele origin: germline.
Comment: This missense variant replaces arginine with cysteine at codon 357 of the DSC2 protein. Computational prediction suggests that this variant may not impact protein structure and function (internally defined REVEL score threshold <= 0.5, PMID: 27666373). To our knowledge, functional studies have not been reported for this variant. This variant has not been reported in individuals affected with cardiovascular disorders in the literature. This variant has been identified in 3/282360 chromosomes in the general population by the Genome Aggregation Database (gnomAD). The available evidence is insufficient to determine the role of this variant in disease conclusively. Therefore, this variant is classified as a Variant of Uncertain Significance.

Fulgent Genetics
Classification: Uncertain significance for Arrhythmogenic right ventricular dysplasia 11. Last evaluated: 2021-11-04. Review status: criteria provided, single submitter. Criteria: ACMG Guidelines, 2015. Collection method: clinical testing. Allele origin: unknown.

GeneDx
Classification: Uncertain significance. Last evaluated: 2021-05-06. Review status: criteria provided, single submitter. Criteria: GeneDx Variant Classification Process June 2021. Collection method: clinical testing. Allele origin: germline. Affected: yes.
Comment: Has not been previously published as pathogenic or benign to our knowledge; Reported in ClinVar as a variant of uncertain significance (ClinVar Variant ID# 252639; Landrum et al., 2016); Not observed in large population cohorts (Lek et al., 2016); In silico analysis supports that this missense variant has a deleterious effect on protein structure/function

Ambry Genetics
Classification: Uncertain significance for Cardiovascular phenotype. Last evaluated: 2019-09-30. Review status: criteria provided, single submitter. Criteria: Ambry Variant Classification Scheme 2023. Collection method: clinical testing. Allele origin: germline.
Comment: The p.R357C variant (also known as c.1069C>T), located in coding exon 8 of the DSC2 gene, results from a C to T substitution at nucleotide position 1069. The arginine at codon 357 is replaced by cysteine, an amino acid with highly dissimilar properties. This amino acid position is not well conserved in available vertebrate species. In addition, this alteration is predicted to be tolerated by in silico analysis. Since supporting evidence is limited at this time, the clinical significance of this alteration remains unclear.

Women's Health and Genetics/Laboratory Corporation of America, LabCorp
Classification: Uncertain significance. Last evaluated: 2016-08-22. Review status: criteria provided, single submitter. Criteria: LabCorp Variant Classification Summary - May 2015. Collection method: clinical testing. Allele origin: germline.
Comment: Variant summary: The DSC2 c.1069C>T (p.Arg357Cys) variant involves the alteration of a non-conserved nucleotide. 3/4 in silico tools predict a damaging outcome for this variant (SNPs&GO not captured due to low reliability index). This variant is absent in 118790 control chromosomes. In addition, one clinical diagnostic laboratory/reputable database classified this variant as uncertain significance. The variant of interest has not, to our knowledge, been reported in affected individuals via publications and/or reputable databases/clinical diagnostic laboratories; nor evaluated for functional impact by in vivo/vitro studies. Because of the absence of clinical information and the lack of functional studies, the variant is classified as a variant of uncertain significance (VUS) until additional information becomes available.

Genomic Diagnostic Laboratory, Division of Genomic Diagnostics, Children's Hospital of Philadelphia
Classification: Uncertain significance for Arrhythmogenic right ventricular cardiomyopathy. Last evaluated: 2015-07-30. Review status: criteria provided, single submitter. Criteria: DGD Variant Analysis Guidelines. Collection method: clinical testing. Allele origin: unknown.

NM_024422.6(DSC2):c.1069C>T (p.Arg357Cys)

Gene: DSC2 (desmocollin 2; minus strand). Cytogenetic location: 18q12.1.
Variant type: single nucleotide variant.
Coding change: c.1069C>T on transcript NM_024422.6 (MANE Select); coding-DNA position 1069, C replaced by T.
Protein change: p.Arg357Cys; replaces arginine 357 with cysteine.
Molecular consequence: missense variant.
Genome position (GRCh38, 1-based): chr18:31,082,934, G>A on the plus strand (C>T on the coding strand, the complement: DSC2 is on the minus strand). VCF-style: chr18-31082934-G-A. GRCh37 (hg19) VCF-style: chr18-28662900-G-A.
Other names: c.1069C>T (LRG_400t1); c.1069C>T, p.Arg357Cys (NM_004949.5); short protein forms R357C.
Identifiers: ClinVar variation 252639 (VCV000252639.18), dbSNP rs879255385, ClinGen allele CA10586034.